The following is an entry in ClinVar:

NM_001142800.2(EYS):c.304_305del (p.Asn102fs)

Gene: EYS (EGF-like photoreceptor maintenance factor; minus strand). Cytogenetic location: 6q12.
Variant type: Deletion.
Coding change: c.304_305del on transcript NM_001142800.2 (MANE Select); coding-DNA positions 304 to 305, 2 bases deleted (AA; older notation c.304_305delAA).
Protein change: p.Asn102fs; shifts the reading frame from asparagine 102.
Molecular consequence: frameshift variant.
Genome position (GRCh38, 1-based): chr6:65,495,106-65,495,107, TT deleted on the plus strand (AA on the coding strand, the reverse complement: EYS is on the minus strand); deleting any 2 consecutive bases within chr6:65,495,106-65,495,108 gives the same sequence; the c. name uses the placement nearest the transcript's 3' end. VCF-style (leftmost placement, unchanged base first): chr6-65495105-ATT-A. GRCh37 (hg19) VCF-style: chr6-66204998-ATT-A.
Other names: c.304_305del, p.Asn102fs (NM_001142801.2, NM_001292009.2, NM_198283.2); short protein forms N102fs.
Identifiers: ClinVar variation 3646478 (VCV003646478.2).

ClinVar aggregate classification (germline): Pathogenic (1 of 4 stars; one submission).

Submission:

Labcorp Genetics (formerly Invitae), Labcorp
Classification: Pathogenic. Last evaluated: 2024-03-17. Review status: criteria provided, single submitter. Criteria: Invitae Variant Classification Sherloc (09022015). Collection method: clinical testing. Allele origin: germline.
Comment: This sequence change creates a premature translational stop signal (p.Asn102Phefs*6) in the EYS gene. It is expected to result in an absent or disrupted protein product. Loss-of-function variants in EYS are known to be pathogenic (PMID: 18836446, 20333770). This variant is not present in population databases (gnomAD no frequency). This variant has not been reported in the literature in individuals affected with EYS-related conditions. For these reasons, this variant has been classified as Pathogenic.

Literature cited by the submitters: PubMed 18836446; PubMed 20333770.